The following is an entry in ClinVar:

ClinVar aggregate classification (germline): Uncertain significance (1 of 4 stars; one submission).

Submission:

GeneDx
Classification: Uncertain significance. Last evaluated: 2024-03-27. Review status: criteria provided, single submitter. Criteria: GeneDx Variant Classification Process June 2021. Collection method: clinical testing. Allele origin: germline. Affected: yes.
Comment: Not observed at significant frequency in large population cohorts (gnomAD); In silico analysis supports that this missense variant has a deleterious effect on protein structure/function; Has not been previously published as pathogenic or benign to our knowledge

NM_001374828.1(ARID1B):c.6244C>T (p.Pro2082Ser)

Gene: ARID1B (AT-rich interaction domain 1B; plus strand). Cytogenetic location: 6q25.3.
Variant type: single nucleotide variant.
Coding change: c.6244C>T on transcript NM_001374828.1 (MANE Select); coding-DNA position 6244, C replaced by T.
Protein change: p.Pro2082Ser; replaces proline 2082 with serine.
Molecular consequence: missense variant.
Genome position (GRCh38, 1-based): chr6:157,207,016, C>T. VCF-style: chr6-157207016-C-T. GRCh37 (hg19) VCF-style: chr6-157528150-C-T.
Other names: c.3745C>T, p.Pro1249Ser (NM_001363725.2); c.6124C>T, p.Pro2042Ser (NM_001371656.1, NM_001374820.1); c.6085C>T, p.Pro2029Ser (NM_017519.3); c.5875C>T (NM_020732.3); short protein forms P1249S, P2029S, P2042S, P2082S.
Identifiers: ClinVar variation 3371755 (VCV003371755.1).